The following is an entry in ClinVar:

ClinVar aggregate classification (germline): Uncertain significance. Review status: criteria provided, multiple submitters, no conflicts (2 of 4 stars). 3 submissions from 3 submitters: Uncertain significance (3). Last evaluated 2026-07-07.

Conditions:
ABCA4-related disorder. Also called: ABCA4-related condition; ABCA4-related disorders. Identifiers: MedGen CN239167.

Allele frequency attached by ClinVar (database versions not stated): ExAC 0.00006; gnomAD exomes 0.00006; TOPMed 0.00006; gnomAD 0.00008 and 0.00009.

Submissions (3):

PreventionGenetics, part of Exact Sciences
Classification: Uncertain significance for ABCA4-related condition. Last evaluated: 2026-07-07. Review status: criteria provided, single submitter. Criteria: ACMG Guidelines, 2015. Collection method: clinical testing. Allele origin: germline.
Comment: The ABCA4 c.6446G>A variant is predicted to result in the amino acid substitution p.Arg2149Gln. To our knowledge, this variant has not been reported in the literature. This variant is reported in 0.0098% of alleles in individuals of South Asian descent in gnomAD. Other amino acid changes at this position have been reported in patients with retinal disease (see, for example, p.Arg2149Leu in Fumagalli et al. 2001. PubMed ID: 11702214; p.Arg2149Pro in supplementary data, Chacon-Camacho et al. 2024. PubMed ID: 39162841). At this time, the clinical significance of this variant is uncertain due to the absence of conclusive functional and genetic evidence.

Labcorp Genetics (formerly Invitae), Labcorp
Classification: Uncertain significance. Last evaluated: 2025-09-02. Review status: criteria provided, single submitter. Criteria: Invitae Variant Classification Sherloc (09022015). Collection method: clinical testing. Allele origin: germline.
Comment: This sequence change replaces arginine, which is basic and polar, with glutamine, which is neutral and polar, at codon 2149 of the ABCA4 protein (p.Arg2149Gln). This variant is present in population databases (rs61750655, gnomAD 0.01%). This variant has not been reported in the literature in individuals affected with ABCA4-related conditions. ClinVar contains an entry for this variant (Variation ID: 940293). Invitae Evidence Modeling of protein sequence and biophysical properties (such as structural, functional, and spatial information, amino acid conservation, physicochemical variation, residue mobility, and thermodynamic stability) indicates that this missense variant is not expected to disrupt ABCA4 protein function with a negative predictive value of 95%. This variant disrupts the p.Arg2149 amino acid residue in ABCA4. Other variant(s) that disrupt this residue have been determined to be pathogenic (PMID: 11702214, 14709597; internal data). This suggests that this residue is clinically significant, and that variants that disrupt this residue are likely to be disease-causing. In summary, the available evidence is currently insufficient to determine the role of this variant in disease. Therefore, it has been classified as a Variant of Uncertain Significance.

Blueprint Genetics
Classification: Uncertain significance. Last evaluated: 2023-12-16. Review status: criteria provided, single submitter. Criteria: ACMG Guidelines, 2015. Collection method: clinical testing. Allele origin: germline.

Literature cited by the submitters: PubMed 11702214 (cited by Labcorp Genetics (formerly Invitae), Labcorp); PubMed 14709597 (cited by Labcorp Genetics (formerly Invitae), Labcorp).

NM_000350.3(ABCA4):c.6446G>A (p.Arg2149Gln)

Gene: ABCA4 (ATP binding cassette subfamily A member 4; minus strand). Cytogenetic location: 1p22.1.
Variant type: single nucleotide variant.
Coding change: c.6446G>A on transcript NM_000350.3 (MANE Select); coding-DNA position 6446, G replaced by A.
Protein change: p.Arg2149Gln; replaces arginine 2149 with glutamine.
Molecular consequence: missense variant.
Genome position (GRCh38, 1-based): chr1:94,000,869, C>T on the plus strand (G>A on the coding strand, the complement: ABCA4 is on the minus strand). VCF-style: chr1-94000869-C-T. GRCh37 (hg19) VCF-style: chr1-94466425-C-T.
Other names: c.6224G>A, p.Arg2075Gln (NM_001425324.1); short protein forms R2149Q, R2075Q.
Identifiers: ClinVar variation 940293 (VCV000940293.11), dbSNP rs61750655, ClinGen allele CA956873.